The following is an entry in ClinVar:

ClinVar aggregate classification (germline): Uncertain significance (1 of 4 stars; one submission).

Allele frequency attached by ClinVar (database versions not stated): gnomAD 0.00001; gnomAD exomes below 0.00001; TOPMed 0.00002.
gnomAD v4.1: 5 of 1,613,520 alleles (0.00031%); highest among the groups gnomAD compares: Non-Finnish European, 0.00042%; no homozygotes.

Submission:

Labcorp Genetics (formerly Invitae), Labcorp
Classification: Uncertain significance. Last evaluated: 2025-10-06. Review status: criteria provided, single submitter. Criteria: Invitae Variant Classification Sherloc (09022015). Collection method: clinical testing. Allele origin: germline.
Comment: This sequence change replaces glycine, which is neutral and non-polar, with glutamic acid, which is acidic and polar, at codon 341 of the MKL1 protein (p.Gly341Glu). This variant is present in population databases (no rsID available, gnomAD 0.0009%). This variant has not been reported in the literature in individuals affected with MKL1-related conditions. ClinVar contains an entry for this variant (Variation ID: 2848237). An algorithm developed to predict the effect of missense changes on protein structure and function (PolyPhen-2) suggests that this variant is likely to be disruptive. In summary, the available evidence is currently insufficient to determine the role of this variant in disease. Therefore, it has been classified as a Variant of Uncertain Significance.

NM_020831.6(MRTFA):c.1322G>A (p.Gly441Glu)

Gene: MRTFA (myocardin related transcription factor A; minus strand). Cytogenetic location: 22q13.1.
Variant type: single nucleotide variant.
Coding change: c.1322G>A on transcript NM_020831.6 (MANE Select); coding-DNA position 1322, G replaced by A.
Protein change: p.Gly441Glu; replaces glycine 441 with glutamic acid.
Molecular consequence: missense variant.
Genome position (GRCh38, 1-based): chr22:40,420,436, C>T on the plus strand (G>A on the coding strand, the complement: MRTFA is on the minus strand). VCF-style: chr22-40420436-C-T. GRCh37 (hg19) VCF-style: chr22-40816440-C-T.
Other names: c.1022G>A, p.Gly341Glu (NM_001282660.2); c.1172G>A, p.Gly391Glu (NM_001282661.3); c.1322G>A, p.Gly441Glu (NM_001282662.3); c.1127G>A, p.Gly376Glu (NM_001318139.2); short protein forms G376E, G341E, G391E, G441E.
Identifiers: ClinVar variation 2848237 (VCV002848237.3), dbSNP rs1272345237, ClinGen allele CA411663426.